The following is an entry in ClinVar:

ClinVar aggregate classification (germline): Likely benign. Review status: reviewed by expert panel (3 of 4 stars). 9 submissions from 9 submitters: Likely benign (1). 8 of the submissions do not count toward it. Last evaluated 2017-06-29.

Conditions:
BRCA2-related cancer predisposition. Identifiers: MedGen CN377758, MONDO:0700269.
Breast-ovarian cancer, familial, susceptibility to, 2 (BROVCA2). Also called: BRCA2 Hereditary Breast and Ovarian Cancer. Identifiers: Orphanet 145, MedGen C2675520, MONDO:0012933, OMIM 612555. Disease mechanism: loss of function.
Fanconi anemia complementation group D1. Also called: BRCA2-Related Fanconi Anemia. Identifiers: Orphanet 319462, MedGen C1838457, MONDO:0011584, OMIM 605724.
Medulloblastoma (MDB). Also called: MEDULLOBLASTOMA PREDISPOSITION SYNDROME; Medulloblastoma, somatic. Identifiers: Orphanet 616, MedGen C0025149, MeSH D008527, MONDO:0007959, OMIM 155255, HP:0002885.
Pancreatic cancer, susceptibility to, 2. Identifiers: Orphanet 1333, MedGen C3150546, MONDO:0013235, OMIM 613347.
Glioma susceptibility 3 (GLM3). Also called: Glioblastoma 3. Identifiers: Orphanet 182067, Orphanet 360, MedGen C2751641, MONDO:0013093, OMIM 613029.
Wilms tumor 1 (WT1). Also called: Wilms tumor, somatic. Identifiers: Orphanet 654, MedGen CN033288, MONDO:0008679, OMIM 194070.
Familial cancer of breast. Also called: hereditary breast carcinoma; BREAST CANCER, FAMILIAL; Hereditary breast cancer. Identifiers: Orphanet 227535, MedGen C0346153, MONDO:0016419, OMIM 114480. Disease mechanism: loss of function.
Prostate cancer. Also called: Malignant tumor of prostate. Identifiers: Orphanet 1331, MedGen C0376358, MONDO:0008315, HP:0012125.
Hereditary cancer-predisposing syndrome. Also called: Hereditary Cancer Syndrome; Neoplastic Syndromes, Hereditary; Hereditary neoplastic syndrome; Tumor predisposition. Identifiers: Orphanet 140162, MedGen C0027672, MeSH D009386, MONDO:0015356.
Hereditary breast ovarian cancer syndrome. Also called: Hereditary breast and ovarian cancer syndrome; Breast and ovarian cancer; Hereditary breast and ovarian cancer syndrome (HBOC); BRCA1- and BRCA2-Associated Hereditary Breast and Ovarian Cancer; Hereditary breast and/or ovarian cancer syndrome; Hereditary breast and ovarian cancer. Identifiers: Orphanet 145, MedGen C0677776, MeSH D061325, MONDO:0003582. Disease mechanism: loss of function.

gnomAD v4.1: 2 of 1,612,732 alleles (0.00012%); highest among the groups gnomAD compares: South Asian, 0.0011%; no homozygotes.

Submissions (9):

Evidence-based Network for the Interpretation of Germline Mutant Alleles (ENIGMA)
Classification: Likely benign for Breast-ovarian cancer, familial, susceptibility to, 2. Last evaluated: 2017-06-29. Review status: reviewed by expert panel. Criteria: ENIGMA BRCA1/2 Classification Criteria (2017-06-29). Collection method: curation. Allele origin: germline.
Comment: Synonymous substitution variant, with low bioinformatic likelihood to result in a splicing aberration (Splicing prior probability 0.02).

Labcorp Genetics (formerly Invitae), Labcorp
Classification: Likely benign for Hereditary breast ovarian cancer syndrome. Last evaluated: 2024-11-17. Review status: criteria provided, single submitter. Criteria: Invitae Variant Classification Sherloc (09022015). Collection method: clinical testing. Allele origin: germline. Not counted in ClinVar's aggregate classification.

Department of Pathology and Laboratory Medicine, Sinai Health System
Classification: Likely benign for BRCA2-related cancer predisposition. Last evaluated: 2024-10-31. Review status: criteria provided, single submitter. Criteria: ACMG Guidelines, 2015. Collection method: clinical testing. Allele origin: germline. Not counted in ClinVar's aggregate classification.

Fulgent Genetics
Classification: Likely benign for Familial cancer of breast; Medulloblastoma; Familial prostate cancer; Wilms tumor 1; Fanconi anemia complementation group D1; Breast-ovarian cancer, familial, susceptibility to, 2; Glioma susceptibility 3; Pancreatic cancer, susceptibility to, 2. Last evaluated: 2021-10-31. Review status: criteria provided, single submitter. Criteria: ACMG Guidelines, 2015. Collection method: clinical testing. Allele origin: unknown. Not counted in ClinVar's aggregate classification.

Color Diagnostics, LLC DBA Color Health
Classification: Likely benign for Hereditary cancer-predisposing syndrome. Last evaluated: 2019-06-25. Review status: criteria provided, single submitter. Criteria: ACMG Guidelines, 2015. Collection method: clinical testing. Allele origin: germline. Not counted in ClinVar's aggregate classification.

GeneDx
Classification: Likely benign. Last evaluated: 2019-02-06. Review status: criteria provided, single submitter. Criteria: GeneDx Variant Classification Process June 2021. Collection method: clinical testing. Allele origin: germline. Affected: yes. Not counted in ClinVar's aggregate classification.

PreventionGenetics, part of Exact Sciences
Classification: Likely benign. Last evaluated: 2017-12-08. Review status: criteria provided, single submitter. Criteria: ACMG Guidelines, 2015. Collection method: clinical testing. Allele origin: germline. Not counted in ClinVar's aggregate classification.

Ambry Genetics
Classification: Likely benign for Hereditary cancer-predisposing syndrome. Last evaluated: 2015-08-10. Review status: criteria provided, single submitter. Criteria: Ambry Variant Classification Scheme 2023. Collection method: clinical testing. Allele origin: germline. Not counted in ClinVar's aggregate classification.

Breast Cancer Information Core (BIC) (BRCA2)
Classification: Uncertain significance for Breast-ovarian cancer, familial 2. Last evaluated: 2002-05-29. Review status: no assertion criteria provided. Collection method: clinical testing. Allele origin: germline. Affected: yes. Observed: 2 variant alleles. Not counted in ClinVar's aggregate classification.

NM_000059.4(BRCA2):c.5661G>A (p.Thr1887=)

Gene: BRCA2 (BRCA2 DNA repair associated; plus strand). Cytogenetic location: 13q13.1.
Variant type: single nucleotide variant.
Coding change: c.5661G>A on transcript NM_000059.4 (MANE Select); coding-DNA position 5661, G replaced by A.
Protein change: p.Thr1887=; no amino-acid change (threonine 1887 retained).
Molecular consequence: synonymous variant.
Genome position (GRCh38, 1-based): chr13:32,340,016, G>A. VCF-style: chr13-32340016-G-A. GRCh37 (hg19) VCF-style: chr13-32914153-G-A.
Other names: T1887T.
Identifiers: ClinVar variation 51902 (VCV000051902.24), dbSNP rs80359793, ClinGen allele CA022893.